The following is an entry in ClinVar:

ClinVar aggregate classification (germline): Uncertain significance (1 of 4 stars; one submission).

Submission:

Labcorp Genetics (formerly Invitae), Labcorp
Classification: Uncertain significance. Last evaluated: 2025-02-27. Review status: criteria provided, single submitter. Criteria: Invitae Variant Classification Sherloc (09022015). Collection method: clinical testing. Allele origin: germline.
Comment: This sequence change replaces leucine, which is neutral and non-polar, with valine, which is neutral and non-polar, at codon 30 of the SIX6 protein (p.Leu30Val). This variant is not present in population databases (gnomAD no frequency). This variant has not been reported in the literature in individuals affected with SIX6-related conditions. Invitae Evidence Modeling of protein sequence and biophysical properties (such as structural, functional, and spatial information, amino acid conservation, physicochemical variation, residue mobility, and thermodynamic stability) indicates that this missense variant is expected to disrupt SIX6 protein function with a positive predictive value of 80%. In summary, the available evidence is currently insufficient to determine the role of this variant in disease. Therefore, it has been classified as a Variant of Uncertain Significance.

NM_007374.3(SIX6):c.88C>G (p.Leu30Val)

Genes: C14orf39 (chromosome 14 open reading frame 39; minus strand), SIX6 (SIX homeobox 6; plus strand). Cytogenetic location: 14q23.1.
Variant type: single nucleotide variant.
Coding change: c.88C>G on transcript NM_007374.3 (MANE Select); coding-DNA position 88, C replaced by G.
Protein change: p.Leu30Val; replaces leucine 30 with valine.
Molecular consequence: missense variant.
Genome position (GRCh38, 1-based): chr14:60,509,486, C>G. VCF-style: chr14-60509486-C-G. GRCh37 (hg19) VCF-style: chr14-60976204-C-G.
Other names: short protein forms L30V.
Identifiers: ClinVar variation 4742728 (VCV004742728.1).
Genomic context (GRCh38, chr14:60,509,486, plus strand): 5'-AGCCCCCAGCAAGTGGCCGGGGTATGTGAGACCCTGGAAGAGAGCGGCGATGTGGAGCGC[C>G]TGGGTCGCTTCCTCTGGTCGCTGCCCGTGGCCCCTGCGGCCTGCGAGGCCCTCAACAAGA-3'
Protein context (NP_031400.2, residues 20-40): TLEESGDVER[Leu30Val]GRFLWSLPVA